The following is an entry in ClinVar:

NM_000170.3(GLDC):c.962G>C (p.Gly321Ala)

Gene: GLDC (glycine decarboxylase; minus strand). Cytogenetic location: 9p24.1.
Variant type: single nucleotide variant.
Coding change: c.962G>C on transcript NM_000170.3 (MANE Select); coding-DNA position 962, G replaced by C.
Protein change: p.Gly321Ala; replaces glycine 321 with alanine.
Molecular consequence: missense variant.
Genome position (GRCh38, 1-based): chr9:6,604,684, C>G on the plus strand (G>C on the coding strand, the complement: GLDC is on the minus strand). VCF-style: chr9-6604684-C-G. GRCh37 (hg19) VCF-style: chr9-6604684-C-G.
Other names: short protein forms G321A.
Identifiers: ClinVar variation 1015229 (VCV001015229.9), dbSNP rs1818693650, ClinGen allele CA372895637.

ClinVar aggregate classification (germline): Uncertain significance (1 of 4 stars; one submission).

Conditions:
Glycine encephalopathy. Also called: Non-ketotic hyperglycinemia; Nonketotic hyperglycinemia. Identifiers: Orphanet 407, MedGen C0751748, MONDO:0011612, HP:0008288.

Submission:

Labcorp Genetics (formerly Invitae), Labcorp
Classification: Uncertain significance for Glycine encephalopathy. Last evaluated: 2020-11-19. Review status: criteria provided, single submitter. Criteria: Invitae Variant Classification Sherloc (09022015). Collection method: clinical testing. Allele origin: germline.
Comment: In summary, the available evidence is currently insufficient to determine the role of this variant in disease. Therefore, it has been classified as a Variant of Uncertain Significance. Algorithms developed to predict the effect of missense changes on protein structure and function are either unavailable or do not agree on the potential impact of this missense change (SIFT: "Tolerated"; PolyPhen-2: "Probably Damaging"; Align-GVGD: "Class C0"). This variant has been observed in individual(s) with non-ketotic hyperglycinemia (Invitae). This variant is not present in population databases (ExAC no frequency). This sequence change replaces glycine with alanine at codon 321 of the GLDC protein (p.Gly321Ala). The glycine residue is highly conserved and there is a small physicochemical difference between glycine and alanine.